The following is an entry in ClinVar:

ClinVar aggregate classification (germline): Likely benign (0 of 4 stars; one submission).

Conditions:
LRP1-related disorder. Also called: LRP1-related condition.

Allele frequency attached by ClinVar (database versions not stated): ExAC 0.00007; TOPMed 0.00012; gnomAD exomes 0.00014; ESP Exome Variant Server 0.00015; gnomAD 0.00017.
gnomAD v4.1: 232 of 1,612,254 alleles (0.014%); highest among the groups gnomAD compares: Admixed American, 0.03%; no homozygotes.

Submission:

PreventionGenetics, part of Exact Sciences
Classification: Likely benign for LRP1-related condition. Last evaluated: 2019-07-08. Review status: no assertion criteria provided. Collection method: clinical testing. Allele origin: germline.
Comment: This variant is classified as likely benign based on ACMG/AMP sequence variant interpretation guidelines (Richards et al. 2015 PMID: 25741868, with internal and published modifications).

NM_002332.3(LRP1):c.3027C>T (p.Ala1009=)

Gene: LRP1 (LDL receptor related protein 1; plus strand). Cytogenetic location: 12q13.3.
Variant type: single nucleotide variant.
Coding change: c.3027C>T on transcript NM_002332.3 (MANE Select); coding-DNA position 3027, C replaced by T.
Protein change: p.Ala1009=; no amino-acid change (alanine 1009 retained).
Molecular consequence: synonymous variant.
Genome position (GRCh38, 1-based): chr12:57,169,171, C>T. VCF-style: chr12-57169171-C-T. GRCh37 (hg19) VCF-style: chr12-57562954-C-T.
Identifiers: ClinVar variation 3050249 (VCV003050249.2), dbSNP rs148649571, ClinGen allele CA6642955.